The following is an entry in ClinVar:

ClinVar aggregate classification (germline): Uncertain significance. Review status: criteria provided, multiple submitters, no conflicts (2 of 4 stars). 4 submissions from 4 submitters: Uncertain significance (4). Last evaluated 2025-06-27.

Conditions:
Chuvash polycythemia. Also called: POLYCYTHEMIA, VHL-DEPENDENT. Identifiers: Orphanet 238557, MedGen C1837915, MONDO:0009892, OMIM 263400.
Von Hippel-Lindau syndrome (VHLS). Also called: von Hippel–Lindau syndrome; Von Hippel-Lindau; VHL syndrome. Identifiers: Orphanet 892, MedGen C0019562, MONDO:0008667, OMIM 193300. Disease mechanism: loss of function.
Hereditary cancer-predisposing syndrome. Also called: Neoplastic Syndromes, Hereditary; Tumor predisposition; Hereditary neoplastic syndrome; Hereditary Cancer Syndrome. Identifiers: Orphanet 140162, MedGen C0027672, MeSH D009386, MONDO:0015356.

Allele frequency attached by ClinVar (database versions not stated): gnomAD exomes below 0.00001.
gnomAD v4.1: 1 of 1,613,680 alleles (0.000062%); highest among the groups gnomAD compares: Non-Finnish European, 0.000085%; no homozygotes.

Submissions (4):

Ambry Genetics
Classification: Uncertain significance for Hereditary cancer-predisposing syndrome. Last evaluated: 2025-06-27. Review status: criteria provided, single submitter. Criteria: Ambry Variant Classification Scheme 2023. Collection method: clinical testing. Allele origin: germline.
Comment: The p.L116R variant (also known as c.347T>G), located in coding exon 2 of the VHL gene, results from a T to G substitution at nucleotide position 347. The leucine at codon 116 is replaced by arginine, an amino acid with dissimilar properties. Based on internal structural analysis, this variant is anticipated to result in a significant decrease in structural stability (Ambry internal data; Gadd MS et al. Nat Chem Biol, 2017 05;13:514-521). This variant was determined to be functionally neutral in one saturation genome editing assay (Buckley M et al. Nat Genet, 2024 Jul;56:1446-1455). This amino acid position is well conserved in available vertebrate species. In addition, this alteration is predicted to be deleterious by in silico analysis. Based on the available evidence, the clinical significance of this variant remains unclear.

Labcorp Genetics (formerly Invitae), Labcorp
Classification: Uncertain significance for Von Hippel-Lindau syndrome; Chuvash polycythemia. Last evaluated: 2025-05-01. Review status: criteria provided, single submitter. Criteria: Invitae Variant Classification Sherloc (09022015). Collection method: clinical testing. Allele origin: germline.
Comment: This sequence change replaces leucine, which is neutral and non-polar, with arginine, which is basic and polar, at codon 116 of the VHL protein (p.Leu116Arg). This variant is not present in population databases (gnomAD no frequency). This variant has not been reported in the literature in individuals affected with VHL-related conditions. ClinVar contains an entry for this variant (Variation ID: 246383). Invitae Evidence Modeling of protein sequence and biophysical properties (such as structural, functional, and spatial information, amino acid conservation, physicochemical variation, residue mobility, and thermodynamic stability) indicates that this missense variant is expected to disrupt VHL protein function with a positive predictive value of 95%. In summary, the available evidence is currently insufficient to determine the role of this variant in disease. Therefore, it has been classified as a Variant of Uncertain Significance.

Mayo Clinic Laboratories, Mayo Clinic
Classification: Uncertain significance. Last evaluated: 2024-01-30. Review status: criteria provided, single submitter. Criteria: ACMG Guidelines, 2015. Collection method: clinical testing. Allele origin: germline. Observed: 1 variant allele.

GeneDx
Classification: Uncertain significance. Last evaluated: 2016-02-05. Review status: criteria provided, single submitter. Criteria: GeneDx Variant Classification (06012015). Collection method: clinical testing. Allele origin: germline. Affected: yes.
Comment: This variant is denoted VHL c.347T>G at the cDNA level, p.Leu116Arg (L116R) at the protein level, and results in the change of a Leucine to an Arginine (CTT>CGT). This variant has not, to our knowledge, been published in the literature as pathogenic or benign. VHL Leu116Arg was not observed in approximately 6,500 individuals of European and African American ancestry in the NHLBI Exome Sequencing Project, suggesting it is not a common benign variant in these populations. Since Leucine and Arginine differ in polarity, charge, size or other properties, this is considered a non-conservative amino acid substitution. VHL Leu116Arg occurs at a position where amino acids with properties similar to Leucine are tolerated across species and is located in the beta-domain and is involved in binding to CCT complex (Yuen 2009, UniProt). While computational modeling has predicted VHL Leu116Arg to be functionally significant (Rajasekaran 2008), in-house in silico analyses are inconsistent regarding the effect this variant may have on protein structure and function. Based on currently available evidence, it is unclear whether VHL Leu116Arg is a pathogenic or benign variant. We consider it to be a variant of uncertain significance.

Literature cited by the submitters: PubMed 28288108 (cited by Ambry Genetics); PubMed 38969834 (cited by Ambry Genetics); PubMed 10088816 (cited by Mayo Clinic Laboratories, Mayo Clinic); PubMed 14987375 (cited by Mayo Clinic Laboratories, Mayo Clinic); PubMed 17967880 (cited by Mayo Clinic Laboratories, Mayo Clinic); PubMed 30877234 (cited by Mayo Clinic Laboratories, Mayo Clinic); PubMed 8730290 (cited by Mayo Clinic Laboratories, Mayo Clinic).

NM_000551.4(VHL):c.347T>G (p.Leu116Arg)

Genes: VHL (von Hippel-Lindau tumor suppressor; plus strand), LOC107303340 (3p25 von Hippel-Lindau tumor suppressor, E3 ubiquitin protein ligase Alu-mediated recombination region; plus strand). Cytogenetic location: 3p25.3.
Variant type: single nucleotide variant.
Coding change: c.347T>G on transcript NM_000551.4 (MANE Select); coding-DNA position 347, T replaced by G.
Protein change: p.Leu116Arg; replaces leucine 116 with arginine.
Molecular consequence: missense variant. On other transcripts: intron variant (2).
Genome position (GRCh38, 1-based): chr3:10,146,520, T>G. VCF-style: chr3-10146520-T-G. GRCh37 (hg19) VCF-style: chr3-10188204-T-G.
Other names: p.Leu116Arg; c.*18-3267T>G (NM_001354723.2); c.341-3267T>G (NM_198156.3); short protein forms L116R.
Identifiers: ClinVar variation 246383 (VCV000246383.16), dbSNP rs879254230, ClinGen allele CA10584229.